The following is an entry in ClinVar:

ClinVar aggregate classification (germline): Uncertain significance (1 of 4 stars; one submission).

Conditions:
MHC class II deficiency. Also called: BLS, TYPE II; Bare lymphocyte syndrome 2. Identifiers: Orphanet 572, MedGen C5447452, MONDO:0008855.

Submission:

Labcorp Genetics (formerly Invitae), Labcorp
Classification: Uncertain significance for MHC class II deficiency. Last evaluated: 2025-10-06. Review status: criteria provided, single submitter. Criteria: Invitae Variant Classification Sherloc (09022015). Collection method: clinical testing. Allele origin: germline.
Comment: This sequence change replaces alanine, which is neutral and non-polar, with glycine, which is neutral and non-polar, at codon 434 of the RFX5 protein (p.Ala434Gly). This variant is not present in population databases (gnomAD no frequency). This variant has not been reported in the literature in individuals affected with RFX5-related conditions. ClinVar contains an entry for this variant (Variation ID: 1396292). An algorithm developed to predict the effect of missense changes on protein structure and function (PolyPhen-2) suggests that this variant is likely to be disruptive. In summary, the available evidence is currently insufficient to determine the role of this variant in disease. Therefore, it has been classified as a Variant of Uncertain Significance.

NM_001025603.2(RFX5):c.1301C>G (p.Ala434Gly)

Gene: RFX5 (regulatory factor X5; minus strand). Cytogenetic location: 1q21.3.
Variant type: single nucleotide variant.
Coding change: c.1301C>G on transcript NM_001025603.2 (MANE Select); coding-DNA position 1301, C replaced by G.
Protein change: p.Ala434Gly; replaces alanine 434 with glycine.
Molecular consequence: missense variant.
Genome position (GRCh38, 1-based): chr1:151,342,736, G>C on the plus strand (C>G on the coding strand, the complement: RFX5 is on the minus strand). VCF-style: chr1-151342736-G-C. GRCh37 (hg19) VCF-style: chr1-151315212-G-C.
Other names: c.1301C>G, p.Ala434Gly (NM_000449.4, NM_001379412.1, NM_001379413.1 and 5 more transcripts); c.1181C>G, p.Ala394Gly (NM_001379419.1, NM_001379420.1); short protein forms A434G, A394G.
Identifiers: ClinVar variation 1396292 (VCV001396292.8), dbSNP rs2102060054, ClinGen allele CA341927728.